The following is an entry in ClinVar:

ClinVar aggregate classification (germline): Uncertain significance (1 of 4 stars; one submission).

Conditions:
TSHZ1-related disorder. Also called: TSHZ1-related condition.

gnomAD v4.1: 112 of 1,613,970 alleles (0.0069%); highest among the groups gnomAD compares: Non-Finnish European, 0.0084%; no homozygotes.

Submission:

PreventionGenetics, part of Exact Sciences
Classification: Uncertain significance for TSHZ1-related condition. Last evaluated: 2024-11-05. Review status: criteria provided, single submitter. Criteria: ACMG Guidelines, 2015. Collection method: clinical testing. Allele origin: germline.
Comment: The TSHZ1 c.2264G>A variant is predicted to result in the amino acid substitution p.Arg755His. To our knowledge, this variant has not been reported in the literature. This variant is reported in 0.0062% of alleles in individuals of African descent in gnomAD. At this time, the clinical significance of this variant is uncertain due to the absence of conclusive functional and genetic evidence.

NM_001308210.2(TSHZ1):c.2399G>A (p.Arg800His)

Gene: TSHZ1 (teashirt zinc finger homeobox 1; plus strand). Cytogenetic location: 18q22.3.
Variant type: single nucleotide variant.
Coding change: c.2399G>A on transcript NM_001308210.2 (MANE Select); coding-DNA position 2399, G replaced by A.
Protein change: p.Arg800His; replaces arginine 800 with histidine.
Molecular consequence: missense variant.
Genome position (GRCh38, 1-based): chr18:75,287,806, G>A. VCF-style: chr18-75287806-G-A. GRCh37 (hg19) VCF-style: chr18-72999761-G-A.
Other names: c.2264G>A, p.Arg755His (NM_005786.6); short protein forms R800H, R755H.
Identifiers: ClinVar variation 4979954 (VCV004979954.1).